The following is an entry in ClinVar:

NM_003611.3(OFD1):c.1264A>G (p.Lys422Glu)

Gene: OFD1 (OFD1 centriole and centriolar satellite protein; plus strand). Cytogenetic location: Xp22.2.
Variant type: single nucleotide variant.
Coding change: c.1264A>G on transcript NM_003611.3 (MANE Select); coding-DNA position 1264, A replaced by G.
Protein change: p.Lys422Glu; replaces lysine 422 with glutamic acid.
Molecular consequence: missense variant.
Genome position (GRCh38, 1-based): chrX:13,756,620, A>G. VCF-style: chrX-13756620-A-G. GRCh37 (hg19) VCF-style: chrX-13774739-A-G.
Other names: p.Lys422Glu; c.1144A>G, p.Lys382Glu (NM_001330209.2); c.844A>G, p.Lys282Glu (NM_001330210.2); short protein forms K422E, K282E, K382E.
Identifiers: ClinVar variation 159464 (VCV000159464.30), dbSNP rs61746932, ClinGen allele CA172892.

ClinVar aggregate classification (germline): Benign/Likely benign. Review status: criteria provided, multiple submitters, no conflicts (2 of 4 stars). 10 submissions from 10 submitters: Benign (6); Likely benign (2). 2 of the submissions do not count toward it. Last evaluated 2026-02-01.

Conditions:
Joubert syndrome. Also called: Familial aplasia of the vermis; JOUBERT-BOLTSHAUSER SYNDROME. Identifiers: Orphanet 475, MedGen C5979921, MONDO:0018772.
Orofaciodigital syndrome I (OFD1). Also called: Oral-Facial-Digital Syndrome Type I; OFDS I; Papillon-Leage and Psaume Syndrome. Identifiers: Orphanet 2750, MedGen C1510460, MONDO:0010702, OMIM 311200.
Primary ciliary dyskinesia. Also called: Ciliary dyskinesia. Identifiers: Orphanet 244, MedGen C0008780, MONDO:0016575, HP:0012265.

Allele frequency attached by ClinVar (database versions not stated): gnomAD exomes 0.00052 and 0.00166; ExAC 0.00211; gnomAD 0.00542 and 0.00584; TOPMed 0.00648; ESP Exome Variant Server 0.00776; 1000 Genomes Project 30x 0.00791; 1000 Genomes Project 0.00795.
gnomAD v4.1: 1,204 of 1,204,450 alleles (0.1%); highest among the groups gnomAD compares: African/African-American, 1.9%; 12 homozygotes.

Submissions (10):

Labcorp Genetics (formerly Invitae), Labcorp
Classification: Benign for Orofaciodigital syndrome I; Joubert syndrome. Last evaluated: 2026-02-01. Review status: criteria provided, single submitter. Criteria: Invitae Variant Classification Sherloc (09022015). Collection method: clinical testing. Allele origin: germline.

Mayo Clinic Laboratories, Mayo Clinic
Classification: Likely benign. Last evaluated: 2025-09-24. Review status: criteria provided, single submitter. Criteria: ACMG Guidelines, 2015. Collection method: clinical testing. Allele origin: germline. Observed: 6 variant alleles.
Comment: BS1, BP4

Blueprint Genetics
Classification: Likely benign. Last evaluated: 2024-09-09. Review status: criteria provided, single submitter. Criteria: ACMG Guidelines, 2015. Collection method: clinical testing. Allele origin: germline.

GeneDx
Classification: Benign. Last evaluated: 2018-05-10. Review status: criteria provided, single submitter. Criteria: GeneDx Variant Classification (06012015). Collection method: clinical testing. Allele origin: germline. Affected: yes.
Comment: This variant is considered likely benign or benign based on one or more of the following criteria: it is a conservative change, it occurs at a poorly conserved position in the protein, it is predicted to be benign by multiple in silico algorithms, and/or has population frequency not consistent with disease.

Genetic Services Laboratory, University of Chicago
Classification: Benign. Last evaluated: 2016-08-29. Review status: criteria provided, single submitter. Criteria: ACMG Guidelines, 2015. Collection method: clinical testing. Allele origin: germline. Affected: no.

Ambry Genetics
Classification: Benign for Primary ciliary dyskinesia. Last evaluated: 2016-01-07. Review status: criteria provided, single submitter. Criteria: Ambry Variant Classification Scheme 2023. Collection method: clinical testing. Allele origin: germline.

Breakthrough Genomics
Classification: Benign. Review status: criteria provided, single submitter. Criteria: ACMG Guidelines, 2015. Collection method: not provided. Allele origin: germline. Inheritance: X-linked inheritance. Affected: yes.

PreventionGenetics, part of Exact Sciences
Classification: Benign. Review status: criteria provided, single submitter. Criteria: ACMG Guidelines, 2015. Collection method: clinical testing. Allele origin: germline.

Clinical Genetics DNA and cytogenetics Diagnostics Lab, Erasmus MC, Erasmus Medical Center
Classification: Benign. Review status: no assertion criteria provided. Collection method: clinical testing. Allele origin: germline. Affected: yes. Study: VKGL Data-share Consensus. Not counted in ClinVar's aggregate classification.

Diagnostic Laboratory, Department of Genetics, University Medical Center Groningen
Classification: Benign. Review status: no assertion criteria provided. Collection method: clinical testing. Allele origin: germline. Affected: yes. Study: VKGL Data-share Consensus. Not counted in ClinVar's aggregate classification.